The following is an entry in ClinVar:

NM_003896.4(ST3GAL5):c.616G>A (p.Gly206Arg)

Gene: ST3GAL5 (ST3 beta-galactoside alpha-2,3-sialyltransferase 5; minus strand). Cytogenetic location: 2p11.2.
Variant type: single nucleotide variant.
Coding change: c.616G>A on transcript NM_003896.4 (MANE Select); coding-DNA position 616, G replaced by A.
Protein change: p.Gly206Arg; replaces glycine 206 with arginine.
Molecular consequence: missense variant. On other transcripts: 5 prime UTR variant (1).
Genome position (GRCh38, 1-based): chr2:85,847,907, C>T on the plus strand (G>A on the coding strand, the complement: ST3GAL5 is on the minus strand). VCF-style: chr2-85847907-C-T. GRCh37 (hg19) VCF-style: chr2-86075030-C-T.
Other names: c.547G>A, p.Gly183Arg (NM_001042437.2); c.232G>A, p.Gly78Arg (NM_001354223.2, NM_001354224.2, NM_001354226.2 and 3 more transcripts); c.532G>A, p.Gly178Arg (NM_001354227.2, NM_001354229.2, NM_001354238.1); c.-289G>A (NM_001354247.1); c.616G>A, p.Gly206Arg (NM_001363847.1); short protein forms G206R, G178R, G183R, G78R.
Identifiers: ClinVar variation 582669 (VCV000582669.9), dbSNP rs755430767, ClinGen allele CA1745012.

ClinVar aggregate classification (germline): Uncertain significance. Review status: criteria provided, multiple submitters, no conflicts (2 of 4 stars). 2 submissions from 2 submitters: Uncertain significance (2). Last evaluated 2022-10-03.

Conditions:
Inborn genetic diseases. Identifiers: MedGen C0950123, MeSH D030342.
GM3 synthase deficiency (SPDRS). Also called: SALT AND PEPPER MENTAL RETARDATION SYNDROME; SALT AND PEPPER DEVELOPMENTAL REGRESSION SYNDROME; AMISH INFANTILE EPILEPSY SYNDROME. Identifiers: Orphanet 171714, Orphanet 370933, MedGen C1836824, MONDO:0018274, OMIM 609056.

Allele frequency attached by ClinVar (database versions not stated): ExAC 0.00001; gnomAD exomes 0.00001; TOPMed 0.00001; gnomAD 0.00002.

Submissions (2):

Ambry Genetics
Classification: Uncertain significance for Inborn genetic diseases. Last evaluated: 2022-10-03. Review status: criteria provided, single submitter. Criteria: Ambry Variant Classification Scheme 2023. Collection method: clinical testing. Allele origin: germline.

Labcorp Genetics (formerly Invitae), Labcorp
Classification: Uncertain significance for GM3 synthase deficiency. Last evaluated: 2022-07-26. Review status: criteria provided, single submitter. Criteria: Invitae Variant Classification Sherloc (09022015). Collection method: clinical testing. Allele origin: germline.
Comment: This sequence change replaces glycine, which is neutral and non-polar, with arginine, which is basic and polar, at codon 206 of the ST3GAL5 protein (p.Gly206Arg). This variant is present in population databases (rs755430767, gnomAD 0.002%). This variant has not been reported in the literature in individuals affected with ST3GAL5-related conditions. ClinVar contains an entry for this variant (Variation ID: 582669). Algorithms developed to predict the effect of missense changes on protein structure and function (SIFT, PolyPhen-2, Align-GVGD) all suggest that this variant is likely to be disruptive. In summary, the available evidence is currently insufficient to determine the role of this variant in disease. Therefore, it has been classified as a Variant of Uncertain Significance.